The following is an entry in ClinVar:

ClinVar aggregate classification (germline): Likely benign (1 of 4 stars; one submission).

Submission:

CeGaT Center for Human Genetics Tuebingen
Classification: Likely benign. Last evaluated: 2025-06-01. Review status: criteria provided, single submitter. Criteria: CeGaT Center For Human Genetics Tuebingen Variant Classification Criteria Version 2. Collection method: clinical testing. Allele origin: germline. Affected: yes. Observed: 2 variant alleles.
Comment: LIMK1: BP4, BP7

NM_002314.4(LIMK1):c.786G>T (p.Leu262=)

Gene: LIMK1 (LIM domain kinase 1; plus strand). Cytogenetic location: 7q11.23.
Variant type: single nucleotide variant.
Coding change: c.786G>T on transcript NM_002314.4 (MANE Select); coding-DNA position 786, G replaced by T.
Protein change: p.Leu262=; no amino-acid change (leucine 262 retained).
Molecular consequence: synonymous variant.
Genome position (GRCh38, 1-based): chr7:74,106,148, G>T. VCF-style: chr7-74106148-G-T. GRCh37 (hg19) VCF-style: chr7-73520478-G-T.
Other names: c.684G>T, p.Leu228= (NM_001204426.2).
Identifiers: ClinVar variation 3771073 (VCV003771073.13).